The following is an entry in ClinVar:

ClinVar aggregate classification (germline): Likely pathogenic (1 of 4 stars; one submission).

Conditions:
COL4A5-related disorder. Also called: COL4A5-related condition.

Submission:

PreventionGenetics, part of Exact Sciences
Classification: Likely pathogenic for COL4A5-related condition. Last evaluated: 2023-08-30. Review status: criteria provided, single submitter. Criteria: ACMG Guidelines, 2015. Collection method: clinical testing. Allele origin: germline.
Comment: The COL4A5 c.1168delG variant is predicted to result in a frameshift and premature protein termination (p.Ala390Leufs*84). To our knowledge, this variant has not been reported in the literature or in a large population database, indicating this variant is rare. Frameshift variants in COL4A5 are expected to be pathogenic. This variant is interpreted as likely pathogenic.

NM_000495.4(COL4A5):c.1168delG

Gene: COL4A5 (collagen type IV alpha 5 chain; plus strand). Cytogenetic location: Xq22.3.
Variant type: Deletion.
Coding change: c.1168delG on transcript NM_000495.4; coding-DNA position 1168, one base deleted (G).
Genome position (GRCh38, 1-based): chrX:108,591,060, G deleted; the last of 4 consecutive G bases (chrX:108,591,057-108,591,060); deleting any one gives the same sequence. VCF-style (leftmost placement, unchanged base first): chrX-108591056-AG-A. GRCh37 (hg19) VCF-style: chrX-107834286-AG-A.
Identifiers: ClinVar variation 2630942 (VCV002630942.1), dbSNP rs2524281792, ClinGen allele CA2695197138.
Genomic context (GRCh38, chrX:108,591,056, plus strand): 5'-CAATGAGAACTAAAGTAACATCTCTAAGATGAAATCATTTTGATCACTTTTTTGAATCTT[AG>A]GGGCTGCAGTTATGGGTCCTCCTGGCCCTCCTGGATTTCCTGGAGAAAGGGGTCAGAAAG-3'